The following is an entry in ClinVar:

NM_002582.4(PARN):c.1787C>T (p.Ser596Phe)

Gene: PARN (poly(A)-specific ribonuclease; minus strand). Cytogenetic location: 16p13.12.
Variant type: single nucleotide variant.
Coding change: c.1787C>T on transcript NM_002582.4 (MANE Select); coding-DNA position 1787, C replaced by T.
Protein change: p.Ser596Phe; replaces serine 596 with phenylalanine.
Molecular consequence: missense variant.
Genome position (GRCh38, 1-based): chr16:14,446,965, G>A on the plus strand (C>T on the coding strand, the complement: PARN is on the minus strand). VCF-style: chr16-14446965-G-A. GRCh37 (hg19) VCF-style: chr16-14540822-G-A.
Other names: c.1604C>T, p.Ser535Phe (NM_001134477.3); c.1649C>T, p.Ser550Phe (NM_001242992.2); short protein forms S550F, S535F, S596F.
Identifiers: ClinVar variation 1914784 (VCV001914784.5), dbSNP rs1051834133, ClinGen allele CA278950345.

ClinVar aggregate classification (germline): Uncertain significance (1 of 4 stars; one submission).

Conditions:
Dyskeratosis congenita, autosomal recessive 6 (DKCB6). Identifiers: MedGen C4225356, MONDO:0014600, OMIM 616353.
Pulmonary fibrosis and/or bone marrow failure, Telomere-related, 4. Also called: PULMONARY FIBROSIS AND/OR BONE MARROW FAILURE SYNDROME, TELOMERE-RELATED, 4. Identifiers: Orphanet 2032, MedGen C4225347, MONDO:0014612, OMIM 616371.

Allele frequency attached by ClinVar (database versions not stated): gnomAD exomes below 0.00001; TOPMed 0.00001; gnomAD 0.00002.
gnomAD v4.1: 4 of 1,613,550 alleles (0.00025%); highest among the groups gnomAD compares: African/African-American, 0.0053%; no homozygotes.

Submission:

Labcorp Genetics (formerly Invitae), Labcorp
Classification: Uncertain significance for Dyskeratosis congenita, autosomal recessive 6; Pulmonary fibrosis and/or bone marrow failure, Telomere-related, 4. Last evaluated: 2022-06-21. Review status: criteria provided, single submitter. Criteria: Invitae Variant Classification Sherloc (09022015). Collection method: clinical testing. Allele origin: germline.
Comment: This variant is present in population databases (no rsID available, gnomAD 0.008%). This sequence change replaces serine, which is neutral and polar, with phenylalanine, which is neutral and non-polar, at codon 596 of the PARN protein (p.Ser596Phe). This variant has not been reported in the literature in individuals affected with PARN-related conditions. Algorithms developed to predict the effect of missense changes on protein structure and function (SIFT, PolyPhen-2, Align-GVGD) all suggest that this variant is likely to be tolerated. In summary, the available evidence is currently insufficient to determine the role of this variant in disease. Therefore, it has been classified as a Variant of Uncertain Significance.